The following is an entry in ClinVar:

NM_004933.3(CDH15):c.1406T>C (p.Leu469Pro)

Gene: CDH15 (cadherin 15; plus strand). Cytogenetic location: 16q24.3.
Variant type: single nucleotide variant.
Coding change: c.1406T>C on transcript NM_004933.3 (MANE Select); coding-DNA position 1406, T replaced by C.
Protein change: p.Leu469Pro; replaces leucine 469 with proline.
Molecular consequence: missense variant.
Genome position (GRCh38, 1-based): chr16:89,191,685, T>C. VCF-style: chr16-89191685-T-C. GRCh37 (hg19) VCF-style: chr16-89258093-T-C.
Other names: short protein forms L469P.
Identifiers: ClinVar variation 3895805 (VCV003895805.1).

ClinVar aggregate classification (germline): Uncertain significance (1 of 4 stars; one submission).

Submission:

Women's Health and Genetics/Laboratory Corporation of America, LabCorp
Classification: Uncertain significance. Last evaluated: 2025-03-06. Review status: criteria provided, single submitter. Criteria: LabCorp Variant Classification Summary - May 2015. Collection method: clinical testing. Allele origin: germline.
Comment: Variant summary: CDH15 c.1406T>C (p.Leu469Pro) results in a non-conservative amino acid change in the encoded protein sequence. Four of five in-silico tools predict a damaging effect of the variant on protein function. The variant was absent in 217232 control chromosomes. The available data on variant occurrences in the general population are insufficient to allow any conclusion about variant significance. To our knowledge, no occurrence of c.1406T>C in individuals affected with Intellectual Disability, Autosomal Dominant 3 and no experimental evidence demonstrating its impact on protein function have been reported. No submitters have cited clinical-significance assessments for this variant to ClinVar. Based on the evidence outlined above, the variant was classified as uncertain significance.